The following is an entry in ClinVar:

ClinVar aggregate classification (germline): Uncertain significance. Review status: criteria provided, multiple submitters, no conflicts (2 of 4 stars). 2 submissions from 2 submitters: Uncertain significance (2). Last evaluated 2024-05-08.

Allele frequency attached by ClinVar (database versions not stated): ExAC 0.00001; gnomAD exomes 0.00001; TOPMed 0.00001.
gnomAD v4.1: 24 of 1,613,508 alleles (0.0015%); highest among the groups gnomAD compares: Non-Finnish European, 0.0019%; no homozygotes.

Submissions (2):

GeneDx
Classification: Uncertain significance. Last evaluated: 2024-05-08. Review status: criteria provided, single submitter. Criteria: GeneDx Variant Classification Process June 2021. Collection method: clinical testing. Allele origin: germline. Affected: yes.
Comment: Not observed at significant frequency in large population cohorts (gnomAD); In silico analysis indicates that this missense variant does not alter protein structure/function; Has not been previously published as pathogenic or benign to our knowledge

Labcorp Genetics (formerly Invitae), Labcorp
Classification: Uncertain significance. Last evaluated: 2022-07-06. Review status: criteria provided, single submitter. Criteria: Invitae Variant Classification Sherloc (09022015). Collection method: clinical testing. Allele origin: germline.
Comment: This sequence change replaces serine, which is neutral and polar, with glycine, which is neutral and non-polar, at codon 263 of the SCO2 protein (p.Ser263Gly). This variant is present in population databases (rs748180870, gnomAD 0.002%). This variant has not been reported in the literature in individuals affected with SCO2-related conditions. ClinVar contains an entry for this variant (Variation ID: 1518963). Algorithms developed to predict the effect of missense changes on protein structure and function (SIFT, PolyPhen-2, Align-GVGD) all suggest that this variant is likely to be tolerated. In summary, the available evidence is currently insufficient to determine the role of this variant in disease. Therefore, it has been classified as a Variant of Uncertain Significance.

NM_005138.3(SCO2):c.787A>G (p.Ser263Gly)

Genes: NCAPH2 (non-SMC condensin II complex subunit H2; plus strand), SCO2 (synthesis of cytochrome C oxidase 2; minus strand). Cytogenetic location: 22q13.33.
Variant type: single nucleotide variant.
Coding change: c.787A>G on transcript NM_005138.3 (MANE Select); coding-DNA position 787, A replaced by G.
Protein change: p.Ser263Gly; replaces serine 263 with glycine.
Molecular consequence: missense variant. On other transcripts: 3 prime UTR variant (2).
Genome position (GRCh38, 1-based): chr22:50,523,625, T>C on the plus strand (A>G on the coding strand, the complement: SCO2 is on the minus strand). VCF-style: chr22-50523625-T-C. GRCh37 (hg19) VCF-style: chr22-50962054-T-C.
Other names: c.*250T>C (NM_001185011.2, NM_152299.4); c.787A>G, p.Ser263Gly (NM_001169109.2, NM_001169110.1, NM_001169111.2); c.787A>G (NM_005138.2); short protein forms S263G.
Identifiers: ClinVar variation 1518963 (VCV001518963.6), dbSNP rs748180870, ClinGen allele CA10321103.